The following is an entry in ClinVar:

NM_000466.3(PEX1):c.2833A>G (p.Ile945Val)

Genes: GATAD1 (GATA zinc finger domain containing 1; plus strand), PEX1 (peroxisomal biogenesis factor 1; minus strand). Cytogenetic location: 7q21.2.
Variant type: single nucleotide variant.
Coding change: c.2833A>G on transcript NM_000466.3 (MANE Select); coding-DNA position 2833, A replaced by G.
Protein change: p.Ile945Val; replaces isoleucine 945 with valine.
Molecular consequence: missense variant.
Genome position (GRCh38, 1-based): chr7:92,494,580, T>C on the plus strand (A>G on the coding strand, the complement: PEX1 is on the minus strand). VCF-style: chr7-92494580-T-C. GRCh37 (hg19) VCF-style: chr7-92123894-T-C.
Other names: c.2662A>G, p.Ile888Val (NM_001282677.2); c.2209A>G, p.Ile737Val (NM_001282678.2); short protein forms I945V, I888V, I737V.
Identifiers: ClinVar variation 966806 (VCV000966806.8), dbSNP rs753349772, ClinGen allele CA4340996.
Genomic context (GRCh38, chr7:92,494,580, plus strand): 5'-GCAACTGGTTAACTACTCGGTCTGTAACTCCTGTATTATCATGACCCCGCCGAGGAGCAA[T>C]GGATTCAAATTCATCAAAGAAAAGAATGCAGGGCTTTGCAGCCTGTGCTCTGGGAAAAAC-3'
Protein context (NP_000457.1, residues 935-955): CILFFDEFES[Ile945Val]APRRGHDNTG

ClinVar aggregate classification (germline): Uncertain significance. Review status: criteria provided, multiple submitters, no conflicts (2 of 4 stars). 3 submissions from 3 submitters: Uncertain significance (2). 1 of the submissions does not count toward it. Last evaluated 2024-07-15.

Conditions:
Zellweger spectrum disorders (ZS). Also called: Zellweger Spectrum Disorder; Zellweger Spectrum; Zellweger syndrome; Zellweger Spectrum Disorder (ZSD). Identifiers: Orphanet 912, MedGen C0043459, MONDO:0019609.

Allele frequency attached by ClinVar (database versions not stated): TOPMed below 0.00001; ExAC 0.00001; gnomAD 0.00001; gnomAD exomes 0.00001.
gnomAD v4.1: 10 of 1,613,926 alleles (0.00062%); highest among the groups gnomAD compares: Non-Finnish European, 0.00085%; no homozygotes.

Submissions (3):

Blueprint Genetics
Classification: Uncertain significance. Last evaluated: 2024-07-15. Review status: criteria provided, single submitter. Criteria: ACMG Guidelines, 2015. Collection method: clinical testing. Allele origin: germline.

Labcorp Genetics (formerly Invitae), Labcorp
Classification: Uncertain significance for Zellweger spectrum disorders. Last evaluated: 2023-11-20. Review status: criteria provided, single submitter. Criteria: Invitae Variant Classification Sherloc (09022015). Collection method: clinical testing. Allele origin: germline.
Comment: This sequence change replaces isoleucine, which is neutral and non-polar, with valine, which is neutral and non-polar, at codon 945 of the PEX1 protein (p.Ile945Val). This variant is present in population databases (rs753349772, gnomAD 0.002%). This variant has not been reported in the literature in individuals affected with PEX1-related conditions. ClinVar contains an entry for this variant (Variation ID: 966806). Advanced modeling of protein sequence and biophysical properties (such as structural, functional, and spatial information, amino acid conservation, physicochemical variation, residue mobility, and thermodynamic stability) performed at Invitae indicates that this missense variant is expected to disrupt PEX1 protein function with a positive predictive value of 80%. In summary, the available evidence is currently insufficient to determine the role of this variant in disease. Therefore, it has been classified as a Variant of Uncertain Significance.

Natera, Inc.
Classification: Uncertain significance for Zellweger syndrome. Last evaluated: 2018-12-12. Review status: no assertion criteria provided. Collection method: clinical testing. Allele origin: germline. Not counted in ClinVar's aggregate classification.